The following is an entry in ClinVar:

ClinVar aggregate classification (germline): Uncertain significance (1 of 4 stars; one submission).

Allele frequency attached by ClinVar (database versions not stated): gnomAD exomes below 0.00001.
gnomAD v4.1: 1 of 1,613,674 alleles (0.000062%); no homozygotes.

Submission:

Labcorp Genetics (formerly Invitae), Labcorp
Classification: Uncertain significance. Last evaluated: 2020-10-07. Review status: criteria provided, single submitter. Criteria: Invitae Variant Classification Sherloc (09022015). Collection method: clinical testing. Allele origin: germline.
Comment: This variant has not been reported in the literature in individuals with CPLANE1-related conditions. This variant is not present in population databases (ExAC no frequency). This sequence change replaces isoleucine with valine at codon 1784 of the CPLANE1 protein (p.Ile1784Val). The isoleucine residue is moderately conserved and there is a small physicochemical difference between isoleucine and valine. In summary, the available evidence is currently insufficient to determine the role of this variant in disease. Therefore, it has been classified as a Variant of Uncertain Significance. Advanced modeling of protein sequence and biophysical properties (such as structural, functional, and spatial information, amino acid conservation, physicochemical variation, residue mobility, and thermodynamic stability) performed at Invitae indicates that this missense variant is not expected to disrupt CPLANE1 protein function.

NM_001384732.1(CPLANE1):c.5350A>G (p.Ile1784Val)

Gene: CPLANE1 (ciliogenesis and planar polarity effector complex subunit 1; minus strand). Cytogenetic location: 5p13.2.
Variant type: single nucleotide variant.
Coding change: c.5350A>G on transcript NM_001384732.1 (MANE Select); coding-DNA position 5350, A replaced by G.
Protein change: p.Ile1784Val; replaces isoleucine 1784 with valine.
Molecular consequence: missense variant.
Genome position (GRCh38, 1-based): chr5:37,182,831, T>C on the plus strand (A>G on the coding strand, the complement: CPLANE1 is on the minus strand). VCF-style: chr5-37182831-T-C. GRCh37 (hg19) VCF-style: chr5-37182933-T-C.
Other names: c.5350A>G, p.Ile1784Val (NM_023073.4); short protein forms I1784V.
Identifiers: ClinVar variation 1023281 (VCV001023281.8), dbSNP rs1783046458, ClinGen allele CA359491633.